The following is an entry in ClinVar:

ClinVar aggregate classification (germline): Benign. Review status: criteria provided, multiple submitters, no conflicts (2 of 4 stars). 2 submissions from 2 submitters: Benign (2). Last evaluated 2026-09-21.

Submissions (2):

Molecular Diagnostic Laboratory for Inherited Cardiovascular Disease, Montreal Heart Institute
Classification: Benign. Last evaluated: 2026-09-21. Review status: criteria provided, single submitter. Criteria: ACMG Guidelines, 2015. Collection method: clinical testing. Allele origin: germline. Affected: no.
Comment: BA1

GeneDx
Classification: Benign. Last evaluated: 2019-08-23. Review status: criteria provided, single submitter. Criteria: GeneDx Variant Classification Process June 2021. Collection method: clinical testing. Allele origin: germline. Affected: yes.

NM_001010874.5(TECRL):c.551+10AC[18]

Gene: TECRL (trans-2,3-enoyl-CoA reductase like; minus strand). Cytogenetic location: 4q13.1.
Variant type: Microsatellite.
Coding change: c.551+10AC[18] on transcript NM_001010874.5 (MANE Select); 18 copies in a row of the 2-base unit AC starting at c.551+10; the reference has 24 copies in a row; six copies, 12 bases deleted.
Molecular consequence: intron variant.
Genome position (GRCh38, 1-based): chr4:64,314,591-64,314,602, GTGTGTGTGTGT deleted on the plus strand (ACACACACACAC on the coding strand, the reverse complement: TECRL is on the minus strand); deleting any 12 consecutive bases within chr4:64,314,591-64,314,638 gives the same sequence; the position shown is the placement nearest the transcript's 3' end. VCF-style (leftmost placement, unchanged base first): chr4-64314590-GGTGTGTGTGTGT-G. GRCh37 (hg19) VCF-style: chr4-65180308-GGTGTGTGTGTGT-G.
Other names: c.551+10AC[18] (NM_001363796.1, NM_001010874.4).
Identifiers: ClinVar variation 1221905 (VCV001221905.4), dbSNP rs5858876, ClinGen allele CA98625091.